The following is an entry in ClinVar:

ClinVar aggregate classification (germline): Uncertain significance (1 of 4 stars; one submission).

Conditions:
Renal tubular dysgenesis of genetic origin. Also called: PRIMITIVE RENAL TUBULE SYNDROME. Identifiers: Orphanet 97369, MedGen C5681536, MONDO:0009970, OMIM 267430.

Submission:

Neuberg Centre For Genomic Medicine, NCGM
Classification: Uncertain significance for Renal tubular dysgenesis of genetic origin. Last evaluated: 2023-06-22. Review status: criteria provided, single submitter. Criteria: ACMG Guidelines, 2015. Collection method: clinical testing. Allele origin: germline. Inheritance: Autosomal recessive inheritance. Affected: yes.
Comment: The observed missense c.1882T>C(p.Trp628Arg) variant in ACE gene has not been reported previously as a pathogenic variant nor as a benign variant, to our knowledge. The p.Trp628Arg variant is absent in gnomAD Exomes database. This variant has not been submitted to the ClinVar database. Multiple lines of computational evidence (Polyphen - probably Damaging, SIFT -Damaging and MutationTaster -disease causing) predict damaging effect on protein structure and function for this variant. The reference amino acid in ACE is predicted as conserved by GERP++ and PhyloP across 100 vertebrates. The amino acid Trp at position 628 is changed to a Arg changing protein sequence and it might alter its composition and physico-chemical properties. For these reasons, this variant has been classified as Uncertain Significance (VUS). In absence of another reportable variant in ACE gene, the molecular diagnosis is not confirmed.

NM_000789.4(ACE):c.1882T>C (p.Trp628Arg)

Gene: ACE (angiotensin I converting enzyme; plus strand). Cytogenetic location: 17q23.3.
Variant type: single nucleotide variant.
Coding change: c.1882T>C on transcript NM_000789.4 (MANE Select); coding-DNA position 1882, T replaced by C.
Protein change: p.Trp628Arg; replaces tryptophan 628 with arginine.
Molecular consequence: missense variant.
Genome position (GRCh38, 1-based): chr17:63,484,502, T>C. VCF-style: chr17-63484502-T-C. GRCh37 (hg19) VCF-style: chr17-61561863-T-C.
Other names: c.1315T>C, p.Trp439Arg (NM_001382700.1); c.1030T>C, p.Trp344Arg (NM_001382701.1); short protein forms W344R, W439R, W628R.
Identifiers: ClinVar variation 3377729 (VCV003377729.1).